The following is an entry in ClinVar:

ClinVar aggregate classification (germline): Uncertain significance (1 of 4 stars; one submission).

Conditions:
Spermatogenic failure 18. Identifiers: MedGen C4539783, MONDO:0054615, OMIM 617576.
Ciliary dyskinesia, primary, 37 (CILD37). Also called: CILIARY DYSKINESIA, PRIMARY, 37, WITH OR WITHOUT SITUS INVERSUS. Identifiers: MedGen C4539798, MONDO:0033204, OMIM 617577.

Submission:

Labcorp Genetics (formerly Invitae), Labcorp
Classification: Uncertain significance for Ciliary dyskinesia, primary, 37; Spermatogenic failure 18. Last evaluated: 2025-01-20. Review status: criteria provided, single submitter. Criteria: Invitae Variant Classification Sherloc (09022015). Collection method: clinical testing. Allele origin: germline.
Comment: This sequence change replaces phenylalanine, which is neutral and non-polar, with leucine, which is neutral and non-polar, at codon 3164 of the DNAH1 protein (p.Phe3164Leu). This variant is not present in population databases (gnomAD no frequency). This variant has not been reported in the literature in individuals affected with DNAH1-related conditions. Invitae Evidence Modeling of protein sequence and biophysical properties (such as structural, functional, and spatial information, amino acid conservation, physicochemical variation, residue mobility, and thermodynamic stability) indicates that this missense variant is not expected to disrupt DNAH1 protein function with a negative predictive value of 80%. In summary, the available evidence is currently insufficient to determine the role of this variant in disease. Therefore, it has been classified as a Variant of Uncertain Significance.

NM_015512.5(DNAH1):c.9492C>G (p.Phe3164Leu)

Gene: DNAH1 (dynein axonemal heavy chain 1; plus strand). Cytogenetic location: 3p21.1.
Variant type: single nucleotide variant.
Coding change: c.9492C>G on transcript NM_015512.5 (MANE Select); coding-DNA position 9492, C replaced by G.
Protein change: p.Phe3164Leu; replaces phenylalanine 3164 with leucine.
Molecular consequence: missense variant.
Genome position (GRCh38, 1-based): chr3:52,388,934, C>G. VCF-style: chr3-52388934-C-G. GRCh37 (hg19) VCF-style: chr3-52422950-C-G.
Other names: short protein forms F3164L.
Identifiers: ClinVar variation 3758229 (VCV003758229.1).